The following is an entry in ClinVar:

NM_001135649.3(FOXI3):c.269G>T (p.Gly90Val)

Gene: FOXI3 (forkhead box I3; minus strand). Cytogenetic location: 2p11.2.
Variant type: single nucleotide variant.
Coding change: c.269G>T on transcript NM_001135649.3 (MANE Select); coding-DNA position 269, G replaced by T.
Protein change: p.Gly90Val; replaces glycine 90 with valine.
Molecular consequence: missense variant.
Genome position (GRCh38, 1-based): chr2:88,452,267, C>A on the plus strand (G>T on the coding strand, the complement: FOXI3 is on the minus strand). VCF-style: chr2-88452267-C-A. GRCh37 (hg19) VCF-style: chr2-88751785-C-A.
Other names: short protein forms G90V.
Identifiers: ClinVar variation 1718235 (VCV001718235.5), dbSNP rs2528917269, ClinGen allele CA347766710.

ClinVar aggregate classification (germline): Uncertain significance (1 of 4 stars; one submission).

Submission:

Labcorp Genetics (formerly Invitae), Labcorp
Classification: Uncertain significance. Last evaluated: 2022-08-28. Review status: criteria provided, single submitter. Criteria: Invitae Variant Classification Sherloc (09022015). Collection method: clinical testing. Allele origin: germline.
Comment: In summary, the available evidence is currently insufficient to determine the role of this variant in disease. Therefore, it has been classified as a Variant of Uncertain Significance. Experimental studies and prediction algorithms are not available or were not evaluated, and the functional significance of this variant is currently unknown. This variant has not been reported in the literature in individuals affected with FOXI3-related conditions. The frequency data for this variant in the population databases is considered unreliable, as metrics indicate insufficient coverage at this position in the gnomAD database. This sequence change replaces glycine, which is neutral and non-polar, with valine, which is neutral and non-polar, at codon 90 of the FOXI3 protein (p.Gly90Val).